The following is an entry in ClinVar:

NM_000264.5(PTCH1):c.155G>C (p.Arg52Pro)

Genes: PTCH1 (patched 1; minus strand), LOC130002133 (ATAC-STARR-seq lymphoblastoid silent region 20071; plus strand). Cytogenetic location: 9q22.32.
Variant type: single nucleotide variant.
Coding change: c.155G>C on transcript NM_000264.5 (MANE Select); coding-DNA position 155, G replaced by C.
Protein change: p.Arg52Pro; replaces arginine 52 with proline.
Molecular consequence: missense variant. On other transcripts: non-coding transcript variant (1), intron variant (3).
Genome position (GRCh38, 1-based): chr9:95,508,207, C>G on the plus strand (G>C on the coding strand, the complement: PTCH1 is on the minus strand). VCF-style: chr9-95508207-C-G. GRCh37 (hg19) VCF-style: chr9-98270489-C-G.
Other names: c.155G>C, p.Arg52Pro (NM_001354918.2); c.199-1608G>C (NM_001083603.3); c.4-1608G>C (NM_001083602.3, NM_001354919.2); short protein forms R52P.
Identifiers: ClinVar variation 1010771 (VCV001010771.16), dbSNP rs777207639, ClinGen allele CA374121337.

ClinVar aggregate classification (germline): Conflicting classifications of pathogenicity. Review status: criteria provided, conflicting classifications (1 of 4 stars). 4 submissions from 4 submitters: Uncertain significance (2); Likely benign (2). Last evaluated 2026-05-05.

Conditions:
Basal cell carcinoma, susceptibility to, 1. Also called: BCC1. Identifiers: MedGen C2751544, MONDO:0011556, OMIM 605462.
Hereditary cancer-predisposing syndrome. Also called: Hereditary neoplastic syndrome; Neoplastic Syndromes, Hereditary; Tumor predisposition; Hereditary Cancer Syndrome. Identifiers: Orphanet 140162, MedGen C0027672, MeSH D009386, MONDO:0015356.
Gorlin syndrome. Also called: Basal cell nevus syndrome; Nevoid Basal Cell Carcinoma Syndrome. Identifiers: Orphanet 377, MedGen C0004779, MONDO:0007187.

gnomAD v4.1: 4 of 1,612,194 alleles (0.00025%); highest among the groups gnomAD compares: African/African-American, 0.0013%; no homozygotes.

Submissions (4):

Ambry Genetics
Classification: Likely benign for Hereditary cancer-predisposing syndrome. Last evaluated: 2026-05-05. Review status: criteria provided, single submitter. Criteria: Ambry Variant Classification Scheme 2023. Collection method: clinical testing. Allele origin: germline.

Labcorp Genetics (formerly Invitae), Labcorp
Classification: Likely benign for Gorlin syndrome. Last evaluated: 2025-12-08. Review status: criteria provided, single submitter. Criteria: Invitae Variant Classification Sherloc (09022015). Collection method: clinical testing. Allele origin: germline.

GeneDx
Classification: Uncertain significance. Last evaluated: 2024-03-01. Review status: criteria provided, single submitter. Criteria: GeneDx Variant Classification Process June 2021. Collection method: clinical testing. Allele origin: germline. Affected: yes.
Comment: Not observed at significant frequency in large population cohorts (gnomAD); In silico analysis supports that this missense variant has a deleterious effect on protein structure/function; Has not been previously published as pathogenic or benign to our knowledge

Baylor Genetics
Classification: Uncertain significance for Basal cell carcinoma, susceptibility to, 1. Last evaluated: 2023-08-04. Review status: criteria provided, single submitter. Criteria: ACMG Guidelines, 2015. Collection method: clinical testing. Allele origin: unknown.